The following is an entry in ClinVar:

ClinVar aggregate classification (germline): Pathogenic/Likely pathogenic. Review status: criteria provided, multiple submitters, no conflicts (2 of 4 stars). 7 submissions from 7 submitters: Pathogenic (5); Likely pathogenic (1). 1 of the submissions does not count toward it. Last evaluated 2026-01-09.

Conditions:
Congenital myotonia, autosomal dominant form (THD). Also called: Myotonia congenita autosomal dominant; THOMSEN DISEASE. Identifiers: Orphanet 614, MedGen C2936781, MONDO:0008055, OMIM 160800.
Congenital myotonia, autosomal recessive form. Also called: Becker Generalized Myotonia; BECKER DISEASE; myotonia congenita, autosomal recessive. Identifiers: Orphanet 614, MedGen C0751360, MONDO:0009715, OMIM 255700.
CLCN1-related disorder. Also called: CLCN1-related condition.
Batten-Turner congenital myopathy. Also called: Myotonia congenita; Congenital myotonia. Identifiers: Orphanet 206973, MedGen C0027127, MONDO:0100468, OMIM 255300.

Allele frequency attached by ClinVar (database versions not stated): TOPMed 0.00001; gnomAD exomes 0.00002; ExAC 0.00004.
gnomAD v4.1: 13 of 1,614,162 alleles (0.00081%); highest among the groups gnomAD compares: African/African-American, 0.004%; no homozygotes.

Submissions (7):

Labcorp Genetics (formerly Invitae), Labcorp
Classification: Pathogenic for Congenital myotonia, autosomal recessive form; Congenital myotonia, autosomal dominant form. Last evaluated: 2026-01-09. Review status: criteria provided, single submitter. Criteria: Invitae Variant Classification Sherloc (09022015). Collection method: clinical testing. Allele origin: germline.
Comment: This sequence change replaces threonine, which is neutral and polar, with methionine, which is neutral and non-polar, at codon 550 of the CLCN1 protein (p.Thr550Met). This variant is present in population databases (rs762754992, gnomAD 0.003%). This missense change has been observed in individuals with both autosomal dominant and autosomal recessive myotonia congenita (PMID: 12390967, 23113340, 24530047, 25438602; internal data). It has also been observed to segregate with disease in related individuals. ClinVar contains an entry for this variant (Variation ID: 208084). Invitae Evidence Modeling of protein sequence and biophysical properties (such as structural, functional, and spatial information, amino acid conservation, physicochemical variation, residue mobility, and thermodynamic stability) indicates that this missense variant is expected to disrupt CLCN1 protein function with a positive predictive value of 95%. Experimental studies have shown that this missense change affects CLCN1 function (PMID: 12390967). For these reasons, this variant has been classified as Pathogenic.

3billion
Classification: Pathogenic for Congenital myotonia, autosomal recessive form. Last evaluated: 2025-10-22. Review status: criteria provided, single submitter. Criteria: ACMG Guidelines, 2015. Collection method: clinical testing. Allele origin: germline. Affected: yes.
Comment: The variant is observed at an extremely low frequency in the gnomAD v4.1.0 dataset (total allele frequency: <0.001%). Predicted Consequence/Location: Missense variant In silico tool predictions suggest damaging effect of the variant on gene or gene product [REVEL: 0.97 (>=0.6, sensitivity 0.68 and specificity 0.92); 3Cnet: 0.99 (> 0.75, sensitivity 0.96 and precision 0.92)]. The same nucleotide change resulting in the same amino acid change has been previously reported as pathogenic/likely pathogenic with strong evidence (ClinVar ID: VCV000208084 /PMID: 10508236). Different missense changes at the same codon (p.Thr550Ala, p.Thr550Arg) have been reported as pathogenic/likely pathogenic with strong evidence (ClinVar ID: VCV001013567, VCV003340571 /PMID: 21221019, 29606556). Therefore, this variant is classified as Pathogenic according to the recommendation of ACMG/AMP guideline.

CeGaT Center for Human Genetics Tuebingen
Classification: Pathogenic. Last evaluated: 2023-07-01. Review status: criteria provided, single submitter. Criteria: CeGaT Center For Human Genetics Tuebingen Variant Classification Criteria Version 2. Collection method: clinical testing. Allele origin: germline. Affected: yes. Observed: 1 variant allele.
Comment: CLCN1: PM2, PM3, PM5, PS4:Moderate, PP3, PP4, PS3:Supporting

Blueprint Genetics
Classification: Likely pathogenic for CLCN1-related disorders. Last evaluated: 2022-10-07. Review status: criteria provided, single submitter. Criteria: ACMG Guidelines, 2015. Collection method: clinical testing. Allele origin: germline. Affected: yes. Observed: 5 variant alleles.

Molecular Genetics, Royal Melbourne Hospital
Classification: Pathogenic for Congenital myotonia, autosomal recessive form. Last evaluated: 2022-03-03. Review status: criteria provided, single submitter. Criteria: ACMG Guidelines, 2015. Collection method: clinical testing. Allele origin: germline.
Comment: This sequence change in CLCN1 is predicted to replace threonine with methionine at codon 550, p.(Thr550Met). The threonine residue is highly conserved (100 vertebrates, UCSC), and is located in the P helix. There is a moderate physicochemical difference between threonine and methionine. The highest population minor allele frequency in gnomAD v2.1 is 0.003% (1/30,612 alleles) in the South Asian population, which is consistent with recessive disease. This variant has been detected in multiple individuals with myotonia, compound heterozygous for the variant and a pathogenic variant, and segregates with disease (PMID: 23113340, 25438602). This variant has also been reported in at least four probands with suspected dominantly inherited myotonia (PMID: 12390967, 24530047, 34790634, SCV000932923.3). Patch-clamp assays in human embryonic kidney cells showed hyperpolarization-induced gating steps and a dominant-negative effect indicating that this variant impacts protein function (PMID: 12390967). Multiple lines of computational evidence predict a deleterious effect for the missense substitution (6/6 algorithms). Based on the classification scheme RMH Modified ACMG Guidelines v1.4.0, this variant is classified as PATHOGENIC. Following criteria are met: PM3_VeryStrong, PS3_Supporting, PM2_Supporting, PP1, PP3.

Neuberg Centre For Genomic Medicine, NCGM
Classification: Pathogenic for Congenital myotonia, autosomal recessive form. Review status: criteria provided, single submitter. Criteria: ACMG Guidelines, 2015. Collection method: clinical testing. Allele origin: germline. Affected: yes.
Comment: The missense variant p.T550M in CLCN1 (NM_000083.3) has been previously reported with both autosomal dominant as well as recessive myotonia congenita (Wu FF et al; Passeri E et al; Ivanova EA et al).Functional studies reveal a damaging effect (Wu FF et al). It has been submitted to ClinVar as Pathogenic. The p.T550M variant is observed in 1/30,612 (0.0033%) alleles from individuals of South Asian background in gnomAD Exomes and is novel (not in any individuals) in 1000 Genomes. There is a moderate physicochemical difference between threonine and methionine. The p.T550M missense variant is predicted to be damaging by both SIFT and PolyPhen2. The threonine residue at codon 550 of CLCN1 is conserved in all mammalian species. The nucleotide c.1649 in CLCN1 is predicted conserved by GERP++ and PhyloP across 100 vertebrates. For these reasons, this variant has been classified as Pathogenic.

GeneReviews
No classification provided. Condition: Batten-Turner congenital myopathy. Review status: no classification provided. Collection method: literature only. Allele origin: germline. Affected: yes. Not counted in ClinVar's aggregate classification.

Literature cited by the submitters: PubMed 12390967 (cited by Labcorp Genetics (formerly Invitae), Labcorp and Molecular Genetics, Royal Melbourne Hospital); PubMed 23113340 (cited by Labcorp Genetics (formerly Invitae), Labcorp and Molecular Genetics, Royal Melbourne Hospital); PubMed 24530047 (cited by Labcorp Genetics (formerly Invitae), Labcorp and Molecular Genetics, Royal Melbourne Hospital); PubMed 25438602 (cited by Labcorp Genetics (formerly Invitae), Labcorp and Molecular Genetics, Royal Melbourne Hospital); PubMed 21221019 (cited by 3billion); PubMed 10508236 (cited by 3billion); PubMed 34790634 (cited by Molecular Genetics, Royal Melbourne Hospital); PubMed 11113225 (cited by GeneReviews); PubMed 15241802 (cited by GeneReviews); PubMed 15786415 (cited by GeneReviews); NCBI Bookshelf NBK1355 (cited by GeneReviews).

NM_000083.3(CLCN1):c.1649C>T (p.Thr550Met)

Gene: CLCN1 (chloride voltage-gated channel 1; plus strand). Cytogenetic location: 7q34.
Variant type: single nucleotide variant.
Coding change: c.1649C>T on transcript NM_000083.3 (MANE Select); coding-DNA position 1649, C replaced by T.
Protein change: p.Thr550Met; replaces threonine 550 with methionine.
Molecular consequence: missense variant. On other transcripts: non-coding transcript variant (1).
Genome position (GRCh38, 1-based): chr7:143,341,995, C>T. VCF-style: chr7-143341995-C-T. GRCh37 (hg19) VCF-style: chr7-143039088-C-T.
Other names: short protein forms T550M.
Identifiers: ClinVar variation 208084 (VCV000208084.41), dbSNP rs762754992, ClinGen allele CA347407.